The following is an entry in ClinVar:

ClinVar aggregate classification (germline): Uncertain significance. Review status: criteria provided, multiple submitters, no conflicts (2 of 4 stars). 2 submissions from 2 submitters: Uncertain significance (2). Last evaluated 2026-03-03.

Submissions (2):

Women's Health and Genetics/Laboratory Corporation of America, LabCorp
Classification: Uncertain significance. Last evaluated: 2026-03-03. Review status: criteria provided, single submitter. Criteria: LabCorp Variant Classification Summary - May 2015. Collection method: clinical testing. Allele origin: germline.

GeneDx
Classification: Uncertain significance. Last evaluated: 2019-05-15. Review status: criteria provided, single submitter. Criteria: GeneDx Variant Classification Process June 2021. Collection method: clinical testing. Allele origin: germline. Affected: yes.
Comment: In-silico analysis, which includes splice predictors and evolutionary conservation, is inconclusive as to whether the variant alters gene splicing. In the absence of RNA/functional studies, the actual effect of this sequence change is unknown.; Not observed in large population cohorts (Lek et al., 2016); Has not been previously published as pathogenic or benign to our knowledge

NM_000116.5(TAFAZZIN):c.238+5C>T

Gene: TAFAZZIN (tafazzin, phospholipid-lysophospholipid transacylase; plus strand). Cytogenetic location: Xq28.
Variant type: single nucleotide variant.
Coding change: c.238+5C>T on transcript NM_000116.5 (MANE Select); 5 bases into the intron after coding-DNA position 238, C replaced by T.
Molecular consequence: intron variant.
Genome position (GRCh38, 1-based): chrX:154,412,219, C>T. VCF-style: chrX-154412219-C-T. GRCh37 (hg19) VCF-style: chrX-153640556-C-T.
Other names: c.292+5C>T (NM_001303465.2); c.238+5C>T (NM_181312.4, NM_181311.4, NM_181313.4).
Identifiers: ClinVar variation 1305791 (VCV001305791.3), dbSNP rs2148186747, ClinGen allele CA2573055166.